The following is an entry in ClinVar:

ClinVar aggregate classification (somatic clinical impact): Tier I - Strong (1 of 4 stars; one submission).

Conditions:
Astrocytoma IDH-mutant. Identifiers: MedGen C5669733.

Submission:

Institute for Genomic Medicine (IGM) Clinical Laboratory, Nationwide Children's Hospital
Classification: Tier I - Strong for Astrocytoma IDH-mutant. Assertion type: diagnostic. Clinical significance: supports diagnosis. Last evaluated: 2025-01-10. Review status: criteria provided, single submitter. Criteria: AMP/ASCO/CAP Guidelines, 2017. Collection method: clinical testing. Allele origin: somatic. Affected: yes.
Comment: Variant has Tier I (strong) clinical significance as a diagnostic inclusion criterion in Astrocytoma IDH-mutant, based on the following evidence: 1) Documented in one or more cancer databases (e.g., St. Jude Pecan, COSMIC, CIViC, OncoKB). 2) Appears in one or more well-established professional guidelines (e.g., World Health Organization [WHO]; National Comprehensive Cancer Network [NCCN]) as providing diagnostic, prognostic, or therapeutic information. 3) Information in the literature supports potential biologic effect of variant (PMID: 30389923). 4) Diagnostic for a specific tumor type/classification based on well-powered studies with expert-level consensus (Evidence Level B; PMIDs: 33692446, 30326163, 37185778, 27582545).

Literature cited by the submitters: PubMed 30389923; PubMed 33692446; PubMed 30326163; PubMed 37185778; PubMed 27582545.

NM_006206.6(PDGFRA):c.862T>C (p.Tyr288His)

Gene: PDGFRA (platelet derived growth factor receptor alpha; plus strand). Cytogenetic location: 4q12.
Variant type: single nucleotide variant.
Coding change: c.862T>C on transcript NM_006206.6 (MANE Select); coding-DNA position 862, T replaced by C.
Protein change: p.Tyr288His; replaces tyrosine 288 with histidine.
Molecular consequence: missense variant.
Genome position (GRCh38, 1-based): chr4:54,267,391, T>C. VCF-style: chr4-54267391-T-C. GRCh37 (hg19) VCF-style: chr4-55133558-T-C.
Other names: c.862T>C, p.Tyr288His (NM_001347827.2, NM_001347829.2); c.937T>C, p.Tyr313His (NM_001347828.2); c.901T>C, p.Tyr301His (NM_001347830.2); short protein forms Y288H, Y301H, Y313H.
Identifiers: ClinVar variation 4530352 (VCV004530352.1).